The following is an entry in ClinVar:

ClinVar aggregate classification (germline): Likely benign (1 of 4 stars; one submission).

Allele frequency attached by ClinVar (database versions not stated): gnomAD exomes 0.00016; gnomAD 0.00021; ExAC 0.00023; ESP Exome Variant Server 0.00023; TOPMed 0.00023.
gnomAD v4.1: 287 of 1,613,502 alleles (0.018%); highest among the groups gnomAD compares: Non-Finnish European, 0.0039%; 3 homozygotes.

Submission:

CeGaT Center for Human Genetics Tuebingen
Classification: Likely benign. Last evaluated: 2023-01-01. Review status: criteria provided, single submitter. Criteria: CeGaT Center For Human Genetics Tuebingen Variant Classification Criteria Version 2. Collection method: clinical testing. Allele origin: germline. Affected: yes. Observed: 1 variant allele.
Comment: GRK2: BS2

NM_001619.5(GRK2):c.1100C>T (p.Ala367Val)

Gene: GRK2 (G protein-coupled receptor kinase 2; plus strand). Cytogenetic location: 11q13.2.
Variant type: single nucleotide variant.
Coding change: c.1100C>T on transcript NM_001619.5 (MANE Select); coding-DNA position 1100, C replaced by T.
Protein change: p.Ala367Val; replaces alanine 367 with valine.
Molecular consequence: missense variant.
Genome position (GRCh38, 1-based): chr11:67,282,482, C>T. VCF-style: chr11-67282482-C-T. GRCh37 (hg19) VCF-style: chr11-67049953-C-T.
Other names: short protein forms A367V.
Identifiers: ClinVar variation 2642011 (VCV002642011.24), dbSNP rs138698093, ClinGen allele CA6134253.
Genomic context (GRCh38, chr11:67,282,482, plus strand): 5'-CTTGCTCCCACAGGGGCACCCACGGGTACATGGCTCCGGAGGTCCTGCAGAAGGGCGTGG[C>T]CTACGACAGCAGTGCCGACTGGTTCTCTCTGGGGTGCATGCTCTTCAAGTTGCTGCGGGG-3'
Protein context (NP_001610.2, residues 357-377): MAPEVLQKGV[Ala367Val]YDSSADWFSL